The following is an entry in ClinVar:

ClinVar aggregate classification (germline): Likely pathogenic (1 of 4 stars; one submission).

Conditions:
COL2A1-related disorder. Also called: COL2A1-related condition; COL2A1-related disorders.

Submission:

3billion
Classification: Likely pathogenic for COL2A1-related disorder. Last evaluated: 2025-02-11. Review status: criteria provided, single submitter. Criteria: ACMG Guidelines, 2015. Collection method: clinical testing. Allele origin: germline. Affected: yes.
Comment: The variant is not observed in the gnomAD v4.1.0 dataset. Predicted Consequence/Location: The variant is located in a mutational hot spot and/or well-established functional domain in which established pathogenic variants have been reported (PMID: 26626311). In silico tool predictions suggest damaging effect of the variant on gene or gene product [REVEL: 0.98 (>=0.6, sensitivity 0.68 and specificity 0.92); 3Cnet: 0.99 (>=0.6, sensitivity 0.72 and precision 0.9)]. The different nucleotide change resulting in the same amino acid change has been previously reported to be associated with COL2A1-related disorder(ClinVar ID: VCV001066051 /PMID: 35250876). A different missense change at the same codon (p.Gly597Glu) has been reported to be associated with COL2A1-related disorder (ClinVar ID: VCV002227856). Therefore, this variant is classified as Likely pathogenic according to the recommendation of ACMG/AMP guideline.

Literature cited by the submitters: PubMed 35250876.

NM_001844.5(COL2A1):c.1789G>C (p.Gly597Arg)

Gene: COL2A1 (collagen type II alpha 1 chain; minus strand). Cytogenetic location: 12q13.11.
Variant type: single nucleotide variant.
Coding change: c.1789G>C on transcript NM_001844.5 (MANE Select); coding-DNA position 1789, G replaced by C.
Protein change: p.Gly597Arg; replaces glycine 597 with arginine.
Molecular consequence: missense variant.
Genome position (GRCh38, 1-based): chr12:47,985,039, C>G on the plus strand (G>C on the coding strand, the complement: COL2A1 is on the minus strand). VCF-style: chr12-47985039-C-G. GRCh37 (hg19) VCF-style: chr12-48378822-C-G.
Other names: c.1582G>C, p.Gly528Arg (NM_033150.3); short protein forms G528R, G597R.
Identifiers: ClinVar variation 4293867 (VCV004293867.1).